The following is an entry in ClinVar:

ClinVar aggregate classification (germline): Conflicting classifications of pathogenicity. Review status: criteria provided, conflicting classifications (1 of 4 stars). 2 submissions from 2 submitters: Uncertain significance (1); Benign (1). Last evaluated 2026-02-26.

Allele frequency attached by ClinVar (database versions not stated): ExAC 0.00001; gnomAD 0.00003; TOPMed 0.00002.
gnomAD v4.1: 13 of 1,611,596 alleles (0.00081%); highest among the groups gnomAD compares: African/African-American, 0.0067%; no homozygotes.

Submissions (2):

Dasa
Classification: Uncertain significance. Last evaluated: 2026-02-26. Review status: criteria provided, single submitter. Criteria: DASA Assertion Criteria. Collection method: clinical testing. Allele origin: germline.
Comment: NM_001205293.3(CACNA1E):c.6469C>T (p.Arg2157Trp) is a missense variant that results in the substitution of arginine with tryptophan. This variant is rare in population databases. Computational prediction algorithms are consistent with a deleterious effect. The currently available literature and clinical evidence are not sufficient to establish a definitive association between this variant and the reported condition. Therefore, this variant is classified as a variant of uncertain significance.

Labcorp Genetics (formerly Invitae), Labcorp
Classification: Benign. Last evaluated: 2024-06-12. Review status: criteria provided, single submitter. Criteria: Invitae Variant Classification Sherloc (09022015). Collection method: clinical testing. Allele origin: germline.

NM_001205293.3(CACNA1E):c.6469C>T (p.Arg2157Trp)

Gene: CACNA1E (calcium voltage-gated channel subunit alpha1 E; plus strand). Cytogenetic location: 1q25.3.
Variant type: single nucleotide variant.
Coding change: c.6469C>T on transcript NM_001205293.3 (MANE Select); coding-DNA position 6469, C replaced by T.
Protein change: p.Arg2157Trp; replaces arginine 2157 with tryptophan.
Molecular consequence: missense variant.
Genome position (GRCh38, 1-based): chr1:181,798,361, C>T. VCF-style: chr1-181798361-C-T. GRCh37 (hg19) VCF-style: chr1-181767497-C-T.
Other names: c.6340C>T, p.Arg2114Trp (NM_000721.4); c.6283C>T, p.Arg2095Trp (NM_001205294.2); short protein forms R2095W, R2114W, R2157W.
Identifiers: ClinVar variation 1986730 (VCV001986730.6), dbSNP rs749525291, ClinGen allele CA1276417.
Genomic context (GRCh38, chr1:181,798,361, plus strand): 5'-TCCCTAAGTGAGAGCTCCATCCCCTCTGTCTCTGACACCAGCACCCCAAGAAGAAGTCGT[C>T]GGCAGCTCCCACCCGTCCCGCCAAAGCCCCGGCCCCTCCTTTCCTACAGCTCCCTGATTC-3'
Protein context (NP_001192222.1, residues 2147-2167): SDTSTPRRSR[Arg2157Trp]QLPPVPPKPR